The following is an entry in ClinVar:

ClinVar aggregate classification (germline): Uncertain significance (1 of 4 stars; one submission).

Submission:

Greenwood Genetic Center Diagnostic Laboratories, Greenwood Genetic Center
Classification: Uncertain significance. Last evaluated: 2023-03-06. Review status: criteria provided, single submitter. Criteria: ACMG Guidelines, 2015. Collection method: clinical testing. Allele origin: germline. Affected: yes.
Comment: PM2, PP3

NM_016239.4(MYO15A):c.9872T>C (p.Leu3291Pro)

Gene: MYO15A (myosin XVA; plus strand). Cytogenetic location: 17p11.2.
Variant type: single nucleotide variant.
Coding change: c.9872T>C on transcript NM_016239.4 (MANE Select); coding-DNA position 9872, T replaced by C.
Protein change: p.Leu3291Pro; replaces leucine 3291 with proline.
Molecular consequence: missense variant.
Genome position (GRCh38, 1-based): chr17:18,166,445, T>C. VCF-style: chr17-18166445-T-C. GRCh37 (hg19) VCF-style: chr17-18069759-T-C.
Other names: short protein forms L3291P.
Identifiers: ClinVar variation 2505195 (VCV002505195.1), dbSNP rs1368619824, ClinGen allele CA398641902.